The following is an entry in ClinVar:

ClinVar aggregate classification (germline): Uncertain significance (1 of 4 stars; one submission).

Conditions:
Polycystic kidney disease, adult type (PKD1). Also called: POLYCYSTIC KIDNEY DISEASE, ADULT, TYPE I; Polycystic Kidney Disease 1, Autosomal Dominant; Polycystic kidney disease 1; Polycystic kidney disease 1, severe; Polycystic Kidney, Autosomal Dominant; POLYCYSTIC KIDNEY DISEASE 1 WITH OR WITHOUT POLYCYSTIC LIVER DISEASE. Identifiers: MedGen C3149841, MONDO:0008263, OMIM 173900.

Submission:

Juno Genomics, Hangzhou Juno Genomics, Inc
Classification: Uncertain significance for Polycystic kidney disease, adult type. Review status: criteria provided, single submitter. Criteria: ACMG Guidelines, 2015. Collection method: clinical testing. Allele origin: germline. Affected: yes.
Comment: Protein length changes due to in-frame deletions/insertions in a non-repeat region or stop-loss variants.;Absent from controls (or at extremely low frequency if recessive) in Genome Aggregation Database, Exome Sequencing Project, 1000 Genomes Project, or Exome Aggregation Consortium.;Patient's phenotype or family history is highly specific for a disease with a single genetic etiology.

NM_001009944.3(PKD1):c.11359_11370del (p.Ser3787_Asn3790del)

Genes: PKD1 (polycystin 1, transient receptor potential channel interacting; minus strand), PKD1-AS1 (PKD1 antisense RNA 1; plus strand). Cytogenetic location: 16p13.3.
Variant type: Deletion.
Coding change: c.11359_11370del on transcript NM_001009944.3 (MANE Select); coding-DNA positions 11359 to 11370, 12 bases deleted (AGTCCTCACAAT).
Protein change: p.Ser3787_Asn3790del.
Molecular consequence: inframe deletion.
Genome position (GRCh38, 1-based): chr16:2,092,088-2,092,099, ATTGTGAGGACT deleted on the plus strand (AGTCCTCACAAT on the coding strand, the reverse complement: PKD1 is on the minus strand). VCF-style (leftmost placement, unchanged base first): chr16-2092087-CATTGTGAGGACT-C. GRCh37 (hg19) VCF-style: chr16-2142088-CATTGTGAGGACT-C.
Other names: c.11356_11367del, p.Ser3786_Asn3789del (NM_000296.4).
Identifiers: ClinVar variation 3383086 (VCV003383086.2).
Genomic context (GRCh38, chr16:2,092,087, plus strand): 5'-GGGGCCCTCGCTCTGCTCACCCCAGCAGATCCGGCGCTGAATAGGCCCACGTCCCCGAGC[CATTGTGAGGACT>C]CTCCCAGCCAACGTCGTAATCGCTGGTGCTGAAGCCTCCTGCGGCCGAGCACGTGTGGAC-3'